The following is an entry in ClinVar:

ClinVar aggregate classification (germline): Uncertain significance (1 of 4 stars; one submission).

Allele frequency attached by ClinVar (database versions not stated): TOPMed below 0.00001; gnomAD exomes 0.00001 and 0.00003; ExAC 0.00002.

Submission:

Labcorp Genetics (formerly Invitae), Labcorp
Classification: Uncertain significance. Last evaluated: 2024-08-05. Review status: criteria provided, single submitter. Criteria: Invitae Variant Classification Sherloc (09022015). Collection method: clinical testing. Allele origin: germline.
Comment: This sequence change replaces isoleucine, which is neutral and non-polar, with threonine, which is neutral and polar, at codon 329 of the CACNA2D4 protein (p.Ile329Thr). This variant is present in population databases (rs763532250, gnomAD 0.02%). This variant has not been reported in the literature in individuals affected with CACNA2D4-related conditions. ClinVar contains an entry for this variant (Variation ID: 1441049). An algorithm developed to predict the effect of missense changes on protein structure and function (PolyPhen-2) suggests that this variant is likely to be disruptive. In summary, the available evidence is currently insufficient to determine the role of this variant in disease. Therefore, it has been classified as a Variant of Uncertain Significance.

NM_172364.5(CACNA2D4):c.986T>C (p.Ile329Thr)

Gene: CACNA2D4 (calcium voltage-gated channel auxiliary subunit alpha2delta 4; minus strand). Cytogenetic location: 12p13.33.
Variant type: single nucleotide variant.
Coding change: c.986T>C on transcript NM_172364.5 (MANE Select); coding-DNA position 986, T replaced by C.
Protein change: p.Ile329Thr; replaces isoleucine 329 with threonine.
Molecular consequence: missense variant.
Genome position (GRCh38, 1-based): chr12:1,886,230, A>G on the plus strand (T>C on the coding strand, the complement: CACNA2D4 is on the minus strand). VCF-style: chr12-1886230-A-G. GRCh37 (hg19) VCF-style: chr12-1995396-A-G.
Other names: short protein forms I329T.
Identifiers: ClinVar variation 1441049 (VCV001441049.8), dbSNP rs763532250, ClinGen allele CA6387341.
Genomic context (GRCh38, chr12:1,886,230, plus strand): 5'-GTATGATTTCTAGAGCAAGTGAGAGCTATTCTAGAACAGGAAGGCACATTTACCGCTATG[A>G]TATTAATGAAGTCATTCTCCCCCAGGGTGTCCAAGATGGTGGTGATGGTGTGCTTGGCAA-3'
Protein context (NP_758952.4, residues 319-339): DTLGENDFIN[Ile329Thr]IAYNDYVHYI